The following is an entry in ClinVar:

ClinVar aggregate classification (germline): Likely pathogenic. Review status: reviewed by expert panel (3 of 4 stars). 2 submissions from 2 submitters: Likely pathogenic (1). 1 of the submissions does not count toward it. Last evaluated 2023-12-21.

Conditions:
Mitochondrial disease. Also called: Mitochondrial disorders; Mitochondrial disorder. Identifiers: Orphanet 68380, MedGen C0751651, MeSH D028361, MONDO:0044970.
Primary Mitochondrial Disorders. Identifiers: MedGen CN381104.

Submissions (2):

ClinGen Mitochondrial Disease Nuclear and Mitochondrial  Variant Curation Expert Panel, ClinGen
Classification: Likely pathogenic for Mitochondrial disease. Last evaluated: 2023-12-21. Review status: reviewed by expert panel. Criteria: clingen mito disease acmg specifications v1-1. Collection method: curation. Allele origin: germline. Inheritance: Mitochondrial inheritance.
Comment: The m.3688G>A (p.Ala128Thr) variant in MT-ND1 has been reported in at least six unrelated individuals with primary mitochondrial disease. These individuals had Leigh syndrome with onset ranging from infancy to childhood. Heteroplasmy ranged from 5% in blood to homoplasmic, but was generally > 80% (PS4_moderate; PMIDs: 18977334; 34025555; 34716721; 27111573; 27290639; 37038312; ISBN:9780128008775). This variant occurred de novo in one individual (absent in lymphocytes and fibroblasts from mother; PM6_supporting, PMID: 18977334). Cybrid studies showed a strong inverse correlation between heteroplasmy level and complex I activity (PS3_supporting, PMID: 18977334). The computational predictor APOGEE gives a consensus rating of pathogenic with a score of 0.885 (Min=0, Max=1), which predicts a damaging effect on gene function (PP3). This variant is absent in the GenBank dataset, Helix dataset, and gnomAD v3.1.2 (PM2_supporting). In summary, this variant meets criteria to be classified as likely pathogenic for primary mitochondrial disease inherited in a mitochondrial manner. This classification was approved by the NICHD/NINDS U24 ClinGen Mitochondrial Disease Variant Curation Expert Panel on December 21, 2023. Mitochondrial DNA-specific ACMG/AMP criteria applied (PMID: 32906214): PS4_moderate, PM6_supporting, PS3_supporting, PM2_supporting, PP3.

Variantyx, Inc.
Classification: Likely pathogenic for Primary mitochondrial disorders. Last evaluated: 2025-10-21. Review status: criteria provided, single submitter. Criteria: Variantyx Assertion Criteria 2022. Collection method: clinical testing. Allele origin: germline. Not counted in ClinVar's aggregate classification.
Comment: The m.3688G>A, c.382G>A, p.Ala128Thr change is a a nonsynonymous single nucleotide variant in the MT-ND1 gene. Pathogenic variants in this gene have been associated with primary mitochondrial disorders. This variant has been reported in at least 6 unrelated affected individual(s) (PMID: 18977334, 34025555, 34716721, 27111573, 37038312, ISBN: 9780128008775) (PS4_Moderate). Functional studies support a deleterious effect for this variant (PMID: 18977334) (PS3), while cComputational algorithms predict no functional impact for this variant (Aggregate Predicted Severity Score: 0.22) (BP4). This variant is absent from control populations (PM2). Other reputable laboratories have reported this variant as pathogenic or likely pathogenic, and this classification has been validated by an expert panel in ClinVar (PP5). Based on the current evidence, this variant is classified as likely pathogenic for primary mitochondrial disorders.

NC_012920.1(MT-ND1):m.3688G>A

Gene: MT-ND1 (mitochondrially encoded NADH dehydrogenase 1; plus strand).
Variant type: single nucleotide variant.
Genome position: chrM-3688-G-A.
Other names: NC_012920.1:m.3688G>A.
Identifiers: ClinVar variation 3774391 (VCV003774391.2).